The following is an entry in ClinVar:

NC_000023.10:g.(?_31514885)_(31950364_?)dup

Gene: DMD (dystrophin; minus strand). Cytogenetic location: Xp21.1.
Variant type: Duplication.
Identifiers: ClinVar variation 455798 (VCV000455798.8).

ClinVar aggregate classification (germline): Likely pathogenic (1 of 4 stars; one submission).

Conditions:
Duchenne muscular dystrophy (DMD). Also called: MUSCULAR DYSTROPHY, PSEUDOHYPERTROPHIC PROGRESSIVE, DUCHENNE TYPE; Duchenne Muscular Dystrophy (DMD). Identifiers: Orphanet 98896, MedGen C0013264, MONDO:0010679, OMIM 310200.

Submission:

Labcorp Genetics (formerly Invitae), Labcorp
Classification: Likely pathogenic for Duchenne muscular dystrophy. Last evaluated: 2022-08-09. Review status: criteria provided, single submitter. Criteria: Invitae Variant Classification Sherloc (09022015). Collection method: clinical testing. Allele origin: germline.
Comment: In summary, the currently available evidence indicates that the variant is pathogenic, but additional data are needed to prove that conclusively. Therefore, this variant has been classified as Likely Pathogenic. This variant has not been reported in the literature in individuals affected with DMD-related conditions. This variant results in a copy number gain of the genomic region encompassing exon(s) 46-57 of the DMD gene. While the exact position of this variant cannot be determined from the data, sub-genic copy number gains are generally in tandem (PMID: 25640679). This variant is predicted to be out-of-frame, and may result in an absent or disrupted protein product. Loss-of-function variants in DMD are known to be pathogenic (PMID: 16770791, 25007885).

Literature cited by the submitters: PubMed 25640679; PubMed 16770791; PubMed 25007885.